The following is an entry in ClinVar:

ClinVar aggregate classification (germline): Uncertain significance. Review status: criteria provided, multiple submitters, no conflicts (2 of 4 stars). 2 submissions from 2 submitters: Uncertain significance (2). Last evaluated 2023-04-26.

Conditions:
Inborn genetic diseases. Identifiers: MedGen C0950123, MeSH D030342.

Allele frequency attached by ClinVar (database versions not stated): ExAC 0.00002; TOPMed 0.00003; gnomAD 0.00005; ESP Exome Variant Server 0.00008.
gnomAD v4.1: 8 of 1,613,820 alleles (0.0005%); highest among the groups gnomAD compares: African/African-American, 0.011%; no homozygotes.

Submissions (2):

Ambry Genetics
Classification: Uncertain significance for Inborn genetic diseases. Last evaluated: 2023-04-26. Review status: criteria provided, single submitter. Criteria: Ambry Variant Classification Scheme 2023. Collection method: clinical testing. Allele origin: germline.

Labcorp Genetics (formerly Invitae), Labcorp
Classification: Uncertain significance. Last evaluated: 2022-06-18. Review status: criteria provided, single submitter. Criteria: Invitae Variant Classification Sherloc (09022015). Collection method: clinical testing. Allele origin: germline.
Comment: This sequence change replaces proline, which is neutral and non-polar, with leucine, which is neutral and non-polar, at codon 1700 of the RTTN protein (p.Pro1700Leu). This variant is present in population databases (rs375349875, gnomAD 0.02%). This variant has not been reported in the literature in individuals affected with RTTN-related conditions. Algorithms developed to predict the effect of missense changes on protein structure and function output the following: SIFT: "Tolerated"; PolyPhen-2: "Benign"; Align-GVGD: "Class C0". The leucine amino acid residue is found in multiple mammalian species, which suggests that this missense change does not adversely affect protein function. In summary, the available evidence is currently insufficient to determine the role of this variant in disease. Therefore, it has been classified as a Variant of Uncertain Significance.

NM_173630.4(RTTN):c.5099C>T (p.Pro1700Leu)

Gene: RTTN (rotatin; minus strand). Cytogenetic location: 18q22.2.
Variant type: single nucleotide variant.
Coding change: c.5099C>T on transcript NM_173630.4 (MANE Select); coding-DNA position 5099, C replaced by T.
Protein change: p.Pro1700Leu; replaces proline 1700 with leucine.
Molecular consequence: missense variant.
Genome position (GRCh38, 1-based): chr18:70,054,217, G>A on the plus strand (C>T on the coding strand, the complement: RTTN is on the minus strand). VCF-style: chr18-70054217-G-A. GRCh37 (hg19) VCF-style: chr18-67721453-G-A.
Other names: c.2363C>T, p.Pro788Leu (NM_001318520.2); c.5099C>T (NM_173630.3); short protein forms P1700L, P788L.
Identifiers: ClinVar variation 2193540 (VCV002193540.3), dbSNP rs375349875, ClinGen allele CA8995043.
Genomic context (GRCh38, chr18:70,054,217, plus strand): 5'-AGAATTCCAATGATATTGGTGATAAGAGGTTTCACAAGCTCATCCTGAATCACAAGGTCA[G>A]GCTCCACCAATAAACATGACTGCAGAAGCCTGGACAAAGAGGATAGGTATTCCAGGAGAA-3'
Protein context (NP_775901.3, residues 1690-1710): RLLQSCLLVE[Pro1700Leu]DLVIQDELVK